The following is an entry in ClinVar:

ClinVar aggregate classification (germline): Likely pathogenic. Review status: criteria provided, multiple submitters, no conflicts (2 of 4 stars). 2 submissions from 2 submitters: Likely pathogenic (2). Last evaluated 2025-02-02.

gnomAD v4.1: 5 of 1,613,888 alleles (0.00031%); highest among the groups gnomAD compares: Admixed American, 0.0017%; no homozygotes.

Submissions (2):

Labcorp Genetics (formerly Invitae), Labcorp
Classification: Likely pathogenic. Last evaluated: 2025-02-02. Review status: criteria provided, single submitter. Criteria: Invitae Variant Classification Sherloc (09022015). Collection method: clinical testing. Allele origin: germline.
Comment: This sequence change affects a donor splice site in intron 43 of the SPTA1 gene. It is expected to disrupt RNA splicing. Variants that disrupt the donor or acceptor splice site typically lead to a loss of protein function (PMID: 16199547), and loss-of-function variants in SPTA1 are known to be pathogenic (PMID: 9192783, 18815189, 31333484, 31723846, 32266426). This variant is not present in population databases (gnomAD no frequency). This variant has not been reported in the literature in individuals affected with SPTA1-related conditions. Algorithms developed to predict the effect of sequence changes on RNA splicing suggest that this variant may disrupt the consensus splice site. In summary, the currently available evidence indicates that the variant is pathogenic, but additional data are needed to prove that conclusively. Therefore, this variant has been classified as Likely Pathogenic.

Revvity Omics, Revvity
Classification: Likely pathogenic. Last evaluated: 2024-09-21. Review status: criteria provided, single submitter. Criteria: ACMG Guidelines, 2015. Collection method: clinical testing. Allele origin: germline.

Literature cited by the submitters: PubMed 16199547 (cited by Labcorp Genetics (formerly Invitae), Labcorp); PubMed 9192783 (cited by Labcorp Genetics (formerly Invitae), Labcorp); PubMed 18815189 (cited by Labcorp Genetics (formerly Invitae), Labcorp); PubMed 31333484 (cited by Labcorp Genetics (formerly Invitae), Labcorp); PubMed 31723846 (cited by Labcorp Genetics (formerly Invitae), Labcorp); PubMed 32266426 (cited by Labcorp Genetics (formerly Invitae), Labcorp).

NM_003126.4(SPTA1):c.6120+2T>C

Gene: SPTA1 (spectrin alpha, erythrocytic 1; minus strand). Cytogenetic location: 1q23.1.
Variant type: single nucleotide variant.
Coding change: c.6120+2T>C on transcript NM_003126.4 (MANE Select); the canonical splice donor site of the intron after coding-DNA position 6120, T replaced by C.
Molecular consequence: splice donor variant.
Genome position (GRCh38, 1-based): chr1:158,622,981, A>G on the plus strand (T>C on the coding strand, the complement: SPTA1 is on the minus strand). VCF-style: chr1-158622981-A-G. GRCh37 (hg19) VCF-style: chr1-158592771-A-G.
Identifiers: ClinVar variation 3603911 (VCV003603911.3).